The following is an entry in ClinVar:

ClinVar aggregate classification (germline): Uncertain significance (1 of 4 stars; one submission).

Conditions:
Senior-Loken syndrome 7 (SLSN7). Identifiers: Orphanet 3156, MedGen C3150877, MONDO:0013326, OMIM 613615.
Bardet-Biedl syndrome 16 (BBS16). Identifiers: Orphanet 110, MedGen C3889474, MONDO:0014444, OMIM 615993.

Allele frequency attached by ClinVar (database versions not stated): TOPMed below 0.00001; gnomAD exomes 0.00001 and 0.00002; ExAC 0.00003.
gnomAD v4.1: 6 of 1,614,174 alleles (0.00037%); highest among the groups gnomAD compares: Admixed American, 0.0083%; no homozygotes.

Submission:

Labcorp Genetics (formerly Invitae), Labcorp
Classification: Uncertain significance for Bardet-Biedl syndrome 16; Senior-Loken syndrome 7. Last evaluated: 2021-11-28. Review status: criteria provided, single submitter. Criteria: Invitae Variant Classification Sherloc (09022015). Collection method: clinical testing. Allele origin: germline.
Comment: This sequence change replaces proline, which is neutral and non-polar, with leucine, which is neutral and non-polar, at codon 5 of the SDCCAG8 protein (p.Pro5Leu). This variant is present in population databases (rs747363592, gnomAD 0.01%). This variant has not been reported in the literature in individuals affected with SDCCAG8-related conditions. Algorithms developed to predict the effect of missense changes on protein structure and function output the following: SIFT: "Deleterious"; PolyPhen-2: "Benign"; Align-GVGD: "Class C0". The leucine amino acid residue is found in multiple mammalian species, which suggests that this missense change does not adversely affect protein function. In summary, the available evidence is currently insufficient to determine the role of this variant in disease. Therefore, it has been classified as a Variant of Uncertain Significance.

NM_006642.5(SDCCAG8):c.14C>T (p.Pro5Leu)

Gene: SDCCAG8 (SHH signaling and ciliogenesis regulator SDCCAG8; plus strand). Cytogenetic location: 1q43.
Variant type: single nucleotide variant.
Coding change: c.14C>T on transcript NM_006642.5 (MANE Select); coding-DNA position 14, C replaced by T.
Protein change: p.Pro5Leu; replaces proline 5 with leucine.
Molecular consequence: missense variant. On other transcripts: 5 prime UTR variant (4).
Genome position (GRCh38, 1-based): chr1:243,256,187, C>T. VCF-style: chr1-243256187-C-T. GRCh37 (hg19) VCF-style: chr1-243419489-C-T.
Other names: c.-1099C>T (NM_001350246.2); c.-987C>T (NM_001350247.2); c.14C>T, p.Pro5Leu (NM_001350248.2); c.-294C>T (NM_001350249.2); c.-1360C>T (NM_001350251.2); short protein forms P5L.
Identifiers: ClinVar variation 1491235 (VCV001491235.6), dbSNP rs747363592, ClinGen allele CA1483161.